The following is an entry in ClinVar:

ClinVar aggregate classification (germline): Uncertain significance (1 of 4 stars; one submission).

Conditions:
Hereditary cancer-predisposing syndrome. Also called: Neoplastic Syndromes, Hereditary; Tumor predisposition; Hereditary neoplastic syndrome; Hereditary Cancer Syndrome. Identifiers: Orphanet 140162, MedGen C0027672, MeSH D009386, MONDO:0015356.
Cardiovascular phenotype. Identifiers: MedGen CN230736.

Submission:

Ambry Genetics
Classification: Uncertain significance for Cardiovascular phenotype; Hereditary cancer-predisposing syndrome. Last evaluated: 2023-11-20. Review status: criteria provided, single submitter. Criteria: Ambry Variant Classification Scheme 2023. Collection method: clinical testing. Allele origin: germline.
Comment: The p.T232K variant (also known as c.695C>A), located in coding exon 7 of the NF1 gene, results from a C to A substitution at nucleotide position 695. The threonine at codon 232 is replaced by lysine, an amino acid with similar properties. This amino acid position is conserved. In addition, this alteration is predicted to be deleterious by in silico analysis. Since supporting evidence is limited at this time, the clinical significance of this alteration remains unclear.

NM_001042492.3(NF1):c.695C>A (p.Thr232Lys)

Gene: NF1 (neurofibromin 1; plus strand). Cytogenetic location: 17q11.2.
Variant type: single nucleotide variant.
Coding change: c.695C>A on transcript NM_001042492.3 (MANE Select); coding-DNA position 695, C replaced by A.
Protein change: p.Thr232Lys; replaces threonine 232 with lysine.
Molecular consequence: missense variant.
Genome position (GRCh38, 1-based): chr17:31,181,750, C>A. VCF-style: chr17-31181750-C-A. GRCh37 (hg19) VCF-style: chr17-29508768-C-A.
Other names: c.695C>A, p.Thr232Lys (NM_000267.4, NM_001128147.3); short protein forms T232K.
Identifiers: ClinVar variation 3237911 (VCV003237911.1), dbSNP rs769719064.